The following is an entry in ClinVar:

NM_001368397.1(FRMPD4):c.3486C>G (p.Asp1162Glu)

Gene: FRMPD4 (FERM and PDZ domain containing 4; plus strand). Cytogenetic location: Xp22.2.
Variant type: single nucleotide variant.
Coding change: c.3486C>G on transcript NM_001368397.1 (MANE Select); coding-DNA position 3486, C replaced by G.
Protein change: p.Asp1162Glu; replaces aspartic acid 1162 with glutamic acid.
Molecular consequence: missense variant.
Genome position (GRCh38, 1-based): chrX:12,718,312, C>G. VCF-style: chrX-12718312-C-G. GRCh37 (hg19) VCF-style: chrX-12736431-C-G.
Other names: c.3597C>G, p.Asp1199Glu (NM_001368395.3, NM_001368398.3); c.3492C>G, p.Asp1164Glu (NM_001368396.3); c.3477C>G, p.Asp1159Glu (NM_001368399.3); c.3366C>G, p.Asp1122Glu (NM_001368400.3); c.3462C>G, p.Asp1154Glu (NM_001368401.1, NM_001368402.3); c.3486C>G, p.Asp1162Glu (NM_014728.3); short protein forms D1122E, D1154E, D1159E, D1162E, D1164E, D1199E.
Identifiers: ClinVar variation 2430553 (VCV002430553.2), dbSNP rs2519865972, ClinGen allele CA412320265.

ClinVar aggregate classification (germline): Uncertain significance (1 of 4 stars; one submission).

Submission:

GeneDx
Classification: Uncertain significance. Last evaluated: 2024-04-01. Review status: criteria provided, single submitter. Criteria: GeneDx Variant Classification Process June 2021. Collection method: clinical testing. Allele origin: germline.
Comment: Not observed at significant frequency in large population cohorts (gnomAD); In silico analysis supports that this missense variant does not alter protein structure/function; Has not been previously published as pathogenic or benign to our knowledge